The following is an entry in ClinVar:

ClinVar aggregate classification (germline): Uncertain significance. Review status: criteria provided, multiple submitters, no conflicts (2 of 4 stars). 2 submissions from 2 submitters: Uncertain significance (2). Last evaluated 2025-10-20.

Conditions:
Primary ciliary dyskinesia 23 (CILD23). Also called: CILIARY DYSKINESIA, PRIMARY, 23, WITH OR WITHOUT SITUS INVERSUS. Identifiers: Orphanet 244, MedGen C3809548, MONDO:0014193, OMIM 615451.

Allele frequency attached by ClinVar (database versions not stated): gnomAD 0.00001; gnomAD exomes 0.00001 and 0.00005; TOPMed 0.00004; ExAC 0.00008.
gnomAD v4.1: 17 of 1,589,924 alleles (0.0011%); highest among the groups gnomAD compares: Admixed American, 0.028%; no homozygotes.

Submissions (2):

Labcorp Genetics (formerly Invitae), Labcorp
Classification: Uncertain significance for Primary ciliary dyskinesia 23. Last evaluated: 2025-10-20. Review status: criteria provided, single submitter. Criteria: Invitae Variant Classification Sherloc (09022015). Collection method: clinical testing. Allele origin: germline.
Comment: This sequence change replaces lysine, which is basic and polar, with glutamic acid, which is acidic and polar, at codon 145 of the ARMC4 protein (p.Lys145Glu). This variant is present in population databases (rs770294804, gnomAD 0.03%). This variant has not been reported in the literature in individuals affected with ARMC4-related conditions. ClinVar contains an entry for this variant (Variation ID: 1326000). An algorithm developed to predict the effect of missense changes on protein structure and function outputs the following: PolyPhen-2: "Benign". The glutamic acid amino acid residue is found in multiple mammalian species, which suggests that this missense change does not adversely affect protein function. In summary, the available evidence is currently insufficient to determine the role of this variant in disease. Therefore, it has been classified as a Variant of Uncertain Significance.

GeneDx
Classification: Uncertain significance. Last evaluated: 2021-11-08. Review status: criteria provided, single submitter. Criteria: GeneDx Variant Classification Process June 2021. Collection method: clinical testing. Allele origin: germline. Affected: yes.
Comment: In silico analysis supports that this missense variant does not alter protein structure/function; Has not been previously published as pathogenic or benign to our knowledge

NM_018076.5(ODAD2):c.433A>G (p.Lys145Glu)

Gene: ODAD2 (outer dynein arm docking complex subunit 2; minus strand). Cytogenetic location: 10p12.1.
Variant type: single nucleotide variant.
Coding change: c.433A>G on transcript NM_018076.5 (MANE Select); coding-DNA position 433, A replaced by G.
Protein change: p.Lys145Glu; replaces lysine 145 with glutamic acid.
Molecular consequence: missense variant.
Genome position (GRCh38, 1-based): chr10:27,985,161, T>C on the plus strand (A>G on the coding strand, the complement: ODAD2 is on the minus strand). VCF-style: chr10-27985161-T-C. GRCh37 (hg19) VCF-style: chr10-28274090-T-C.
Other names: c.433A>G, p.Lys145Glu (NM_001290020.2); short protein forms K145E.
Identifiers: ClinVar variation 1326000 (VCV001326000.8), dbSNP rs770294804, ClinGen allele CA5453814.